The following is an entry in ClinVar:

ClinVar aggregate classification (germline): Pathogenic (1 of 4 stars; one submission).

Conditions:
Wiedemann-Steiner syndrome (WDSTS). Also called: Growth deficiency and mental retardation with facial dysmorphism. Identifiers: Orphanet 319182, MedGen C1854630, MONDO:0011518, OMIM 605130.

Submission:

3billion
Classification: Pathogenic for Wiedemann-Steiner syndrome. Last evaluated: 2021-10-02. Review status: criteria provided, single submitter. Criteria: ACMG Guidelines, 2015. Collection method: clinical testing. Allele origin: germline. Affected: yes. Observed: 1 heterozygote.
Comment: Canonical splice site: predicted to alter splicing and result in a loss or disruption of normal protein function through nonsense-mediated decay (NMD) or protein truncation. Multiple pathogenic variants are reported downstream of the variant (PVS1_VS). It is not observed in the gnomAD v2.1.1 dataset (PM2). The variant was observed as assumed (i.e. paternity and maternity not confirmed) de novoo (3billion dataset, PM6). Therefore, this variant is classified as pathogenic according to the recommendation of ACMG/AMP guideline.

NM_001197104.2(KMT2A):c.3634+1G>A

Gene: KMT2A (lysine methyltransferase 2A; plus strand). Cytogenetic location: 11q23.3.
Variant type: single nucleotide variant.
Coding change: c.3634+1G>A on transcript NM_001197104.2 (MANE Select); the canonical splice donor site of the intron after coding-DNA position 3634, G replaced by A.
Molecular consequence: splice donor variant.
Genome position (GRCh38, 1-based): chr11:118,480,239, G>A. VCF-style: chr11-118480239-G-A. GRCh37 (hg19) VCF-style: chr11-118350954-G-A.
Other names: c.3733+1G>A (NM_001412597.1); c.3634+1G>A (NM_005933.4).
Identifiers: ClinVar variation 1320198 (VCV001320198.1), dbSNP rs2134293919, ClinGen allele CA382826592.
Genomic context (GRCh38, chr11:118,480,239, plus strand): 5'-GAAAATGTCAGAATCTACAATGGATGCCTTCCAAAGCCTACCTGCAGAAGCAAGCTAAAG[G>A]TAGTGTTGTTAAAAAGGTCTTCCCCCAAATGCTCCTTGCTTAAATGGTGTATAGTTGTAT-3'